The following is an entry in ClinVar:

ClinVar aggregate classification (germline): Pathogenic/Likely pathogenic. Review status: criteria provided, multiple submitters, no conflicts (2 of 4 stars). 6 submissions from 6 submitters: Pathogenic (5); Likely pathogenic (1). Last evaluated 2025-07-18.

Conditions:
Mitochondrial complex 2 deficiency, nuclear type 2. Also called: MITOCHONDRIAL COMPLEX II DEFICIENCY, NUCLEAR TYPE 2. Identifiers: MedGen C5436933, MONDO:0030935, OMIM 619166.
Mitochondrial complex II deficiency, nuclear type 1. Also called: SUCCINATE CoQ REDUCTASE DEFICIENCY. Identifiers: Orphanet 3208, MedGen C5700310, MONDO:0100294, OMIM 252011.

Allele frequency attached by ClinVar (database versions not stated): gnomAD exomes 0.00001 and 0.00007; TOPMed 0.00002; ExAC 0.00013.
gnomAD v4.1: 15 of 1,570,612 alleles (0.00096%); highest among the groups gnomAD compares: Admixed American, 0.025%; no homozygotes.

Submissions (6):

3billion
Classification: Pathogenic for Mitochondrial complex 2 deficiency, nuclear type 2. Last evaluated: 2025-07-18. Review status: criteria provided, single submitter. Criteria: ACMG Guidelines, 2015. Collection method: clinical testing. Allele origin: germline. Affected: yes.
Comment: The variant is observed at an extremely low frequency in the gnomAD v4.1.0 dataset (total allele frequency: 0.001%). Predicted Consequence/Location: Stop-gained (nonsense): predicted to result in a loss or disruption of normal protein function through protein truncation. The predicted truncated protein may be shortened by more than 10%. The variant has been reported at least twice as pathogenic with clinical assertions and evidence for the classification (ClinVar ID: VCV000280451 /PMID: 26642834). Therefore, this variant is classified as Pathogenic according to the recommendation of ACMG/AMP guideline.

Labcorp Genetics (formerly Invitae), Labcorp
Classification: Likely pathogenic. Last evaluated: 2024-04-16. Review status: criteria provided, single submitter. Criteria: Invitae Variant Classification Sherloc (09022015). Collection method: clinical testing. Allele origin: germline.
Comment: This sequence change creates a premature translational stop signal (p.Tyr52*) in the SDHAF1 gene. While this is not anticipated to result in nonsense mediated decay, it is expected to disrupt the last 64 amino acid(s) of the SDHAF1 protein. This variant is present in population databases (rs768768823, gnomAD 0.04%). This premature translational stop signal has been observed in individuals with clinical features of leukoencephalopathy (PMID: 26642834; Invitae). ClinVar contains an entry for this variant (Variation ID: 280451). Experimental studies and prediction algorithms are not available or were not evaluated, and the functional significance of this variant is currently unknown. In summary, the currently available evidence indicates that the variant is pathogenic, but additional data are needed to prove that conclusively. Therefore, this variant has been classified as Likely Pathogenic.

Victorian Clinical Genetics Services, Murdoch Childrens Research Institute
Classification: Pathogenic for Mitochondrial complex 2 deficiency, nuclear type 2. Last evaluated: 2022-09-02. Review status: criteria provided, single submitter. Criteria: ACMG Guidelines, 2015. Collection method: clinical testing. Allele origin: germline. Inheritance: Autosomal recessive inheritance. Affected: yes.
Comment: Based on the classification scheme VCGS_Germline_v1.3.4, this variant is classified as Pathogenic. Following criteria are met: 0102 - Loss of function is a known mechanism of disease in this gene and is associated with Mitochondrial complex II deficiency, nuclear type 2 (MIM#619166). (I) 0106 - This gene is associated with autosomal recessive disease. (I) 0204 - Variant is predicted to result in a truncated protein with at least 1/3 of the protein sequence affected. This gene has only one exon and premature termination codons in this gene are predicted to result in loss of function. (SP) 0251 - This variant is heterozygous. (I) 0304 - Variant is present in gnomAD <0.01 for a recessive condition (v2: 12 heterozygotes, 0 homozygotes). (SP) 0705 - No comparable downstream loss of function variants have previous evidence for pathogenicity. (I) 0802 - This variant has moderate previous evidence of pathogenicity in unrelated individuals. This variant has been reported as pathogenic in clinical cases in ClinVar and as homozygous in a patient with spastic tetraparesis and intellectual impairment (PMID:26642834). (SP) 0905 - No published segregation evidence has been identified for this variant. (I) 1007 - No published functional evidence has been identified for this variant. (I) 1102 - Strong phenotype match for this individual. (I) Legend: (SP) - Supporting pathogenic, (I) - Information, (SB) - Supporting benign

Daryl Scott Lab, Baylor College of Medicine
Classification: Pathogenic for Mitochondrial complex II deficiency, nuclear type 1. Last evaluated: 2022-02-01. Review status: criteria provided, single submitter. Criteria: ACMG Guidelines, 2015. Collection method: clinical testing. Allele origin: maternal. Observed: 1 variant allele.

GeneDx
Classification: Pathogenic. Last evaluated: 2021-06-19. Review status: criteria provided, single submitter. Criteria: GeneDx Variant Classification Process June 2021. Collection method: clinical testing. Allele origin: germline. Affected: yes.
Comment: Nonsense variant predicted to result in protein truncation or nonsense mediated decay in a gene for which loss-of-function is a known mechanism of disease; This variant is associated with the following publications: (PMID: 26642834, 33162331, 27535533)

Baylor Genetics
Classification: Pathogenic for Mitochondrial complex II deficiency, nuclear type 1. Last evaluated: 2020-04-03. Review status: criteria provided, single submitter. Criteria: ACMG Guidelines, 2015. Collection method: clinical testing. Allele origin: unknown. Affected: yes.
Comment: This variant was determined to be pathogenic according to ACMG Guidelines, 2015 [PMID:25741868]. This variant has been previously reported as disease-causing [PMID 26642834]

Literature cited by the submitters: PubMed 26642834 (cited by 4 submitters); PubMed 26749241 (cited by Victorian Clinical Genetics Services, Murdoch Childrens Research Institute); PubMed 33162331 (cited by Victorian Clinical Genetics Services, Murdoch Childrens Research Institute); PubMed 36474027 (cited by Daryl Scott Lab, Baylor College of Medicine).

NM_001042631.3(SDHAF1):c.156C>A (p.Tyr52Ter)

Gene: SDHAF1 (succinate dehydrogenase complex assembly factor 1; plus strand). Cytogenetic location: 19q13.12.
Variant type: single nucleotide variant.
Coding change: c.156C>A on transcript NM_001042631.3 (MANE Select); coding-DNA position 156, C replaced by A.
Protein change: p.Tyr52Ter; replaces tyrosine 52 with a stop codon.
Molecular consequence: nonsense.
Genome position (GRCh38, 1-based): chr19:35,995,430, C>A. VCF-style: chr19-35995430-C-A. GRCh37 (hg19) VCF-style: chr19-36486332-C-A.
Other names: short protein forms Y52*.
Identifiers: ClinVar variation 280451 (VCV000280451.18), dbSNP rs768768823, ClinGen allele CA9393678.